The following is an entry in ClinVar:

ClinVar aggregate classification (germline): Benign/Likely benign. Review status: criteria provided, multiple submitters, no conflicts (2 of 4 stars). 11 submissions from 10 submitters: Benign (5); Likely benign (5). 1 of the submissions does not count toward it. Last evaluated 2026-09-01.

Conditions:
Congenital Muscular Dystrophy, alpha-dystroglycan related.
Muscular dystrophy-dystroglycanopathy (congenital with impaired intellectual development), type B, 3. Also called: MUSCULAR DYSTROPHY, CONGENITAL, POMGNT1-RELATED; Muscular dystrophy-dystroglycanopathy (congenital with intellectual disability), type B3. Identifiers: MedGen C3150412, MONDO:0013155, OMIM 613151.
Autosomal recessive limb-girdle muscular dystrophy type 2O. Also called: Limb-Girdle Muscular Dystrophy Type 3C; MUSCULAR DYSTROPHY-DYSTROGLYCANOPATHY (LIMB-GIRDLE), TYPE C, 3; MUSCULAR DYSTROPHY-DYSTROGLYCANOPATHY, LIMB-GIRDLE, POMGNT1-RELATED. Identifiers: Orphanet 206564, MedGen C3150417, MONDO:0013161, OMIM 613157.
Muscle eye brain disease (MEB). Also called: Santavuori congenital muscular dystrophy. Identifiers: Orphanet 588, Orphanet 899, MedGen C0457133, MONDO:0018939.

Allele frequency attached by ClinVar (database versions not stated): ESP Exome Variant Server 0.00115; gnomAD exomes 0.00127 and 0.00388; TOPMed 0.00198; 1000 Genomes Project 0.00260; gnomAD 0.00274 and 0.00280; 1000 Genomes Project 30x 0.00281; ExAC 0.00318.
gnomAD v4.1: 2,263 of 1,614,156 alleles (0.14%); highest among the groups gnomAD compares: Admixed American, 1.2%; 22 homozygotes.

Submissions (11):

CeGaT Center for Human Genetics Tuebingen
Classification: Likely benign. Last evaluated: 2026-09-01. Review status: criteria provided, single submitter. Criteria: CeGaT Center For Human Genetics Tuebingen Variant Classification Criteria Version 2. Collection method: clinical testing. Allele origin: germline. Affected: yes. Observed: 13 variant alleles.
Comment: POMGNT1: PP2, BS1

Labcorp Genetics (formerly Invitae), Labcorp
Classification: Benign for Autosomal recessive limb-girdle muscular dystrophy type 2O; Muscular dystrophy-dystroglycanopathy (congenital with impaired intellectual development), type B, 3. Last evaluated: 2026-02-01. Review status: criteria provided, single submitter. Criteria: Invitae Variant Classification Sherloc (09022015). Collection method: clinical testing. Allele origin: germline.

Athena Diagnostics
Classification: Benign. Last evaluated: 2023-04-27. Review status: criteria provided, single submitter. Criteria: Athena Diagnostics Criteria. Collection method: clinical testing. Allele origin: unknown.

GeneDx
Classification: Benign. Last evaluated: 2018-06-06. Review status: criteria provided, single submitter. Criteria: GeneDx Variant Classification Process June 2021. Collection method: clinical testing. Allele origin: germline. Affected: yes.

Illumina Laboratory Services, Illumina
Classification: Likely benign for Congenital Muscular Dystrophy, alpha-dystroglycan related. Last evaluated: 2018-01-12. Review status: criteria provided, single submitter. Criteria: ICSL Variant Classification Criteria 13 December 2019. Collection method: clinical testing. Allele origin: germline.
Comment: This variant was observed in the ICSL laboratory as part of a predisposition screen in an ostensibly healthy population. It had not been previously curated by ICSL or reported in the Human Gene Mutation Database (HGMD: prior to June 1st, 2018), and was therefore a candidate for classification through an automated scoring system. Utilizing variant allele frequency, disease prevalence and penetrance estimates, and inheritance mode, an automated score was calculated to assess if this variant is too frequent to cause the disease. Based on the score and internal cut-off values, a variant classified as likely benign is not then subjected to further curation. The score for this variant resulted in a classification of likely benign for this disease.

Illumina Laboratory Services, Illumina
Classification: Likely benign for Autosomal recessive limb-girdle muscular dystrophy type 2O. Last evaluated: 2018-01-12. Review status: criteria provided, single submitter. Criteria: ICSL Variant Classification Criteria 13 December 2019. Collection method: clinical testing. Allele origin: germline.
Comment: the same text as in the submission from Illumina Laboratory Services, Illumina above.

Baylor Genetics
Classification: Likely benign for Muscular dystrophy-dystroglycanopathy (congenital with brain and eye anomalies), type A3. Last evaluated: 2017-12-31. Review status: criteria provided, single submitter. Criteria: ACMG Guidelines, 2015. Collection method: clinical testing. Allele origin: germline. Affected: yes.
Comment: Reclassification of existing record

Eurofins Ntd Llc (ga)
Classification: Benign. Last evaluated: 2015-09-22. Review status: criteria provided, single submitter. Criteria: EGL Classification Definitions 2015. Collection method: clinical testing. Allele origin: germline. Observed: 2 variant alleles, 2 heterozygotes.

Breakthrough Genomics
Classification: Likely benign. Review status: criteria provided, single submitter. Criteria: ACMG Guidelines, 2015. Collection method: not provided. Allele origin: germline. Inheritance: Autosomal recessive inheritance. Affected: yes.

PreventionGenetics, part of Exact Sciences
Classification: Benign. Review status: criteria provided, single submitter. Criteria: ACMG Guidelines, 2015. Collection method: clinical testing. Allele origin: germline.

Natera, Inc.
Classification: Benign for Muscle-eye-brain disease. Last evaluated: 2019-11-22. Review status: no assertion criteria provided. Collection method: clinical testing. Allele origin: germline. Not counted in ClinVar's aggregate classification.

Literature cited by the submitters: PubMed 25326635 (cited by Baylor Genetics).

NM_017739.4(POMGNT1):c.1298C>T (p.Thr433Met)

Genes: POMGNT1 (protein O-linked mannose N-acetylglucosaminyltransferase 1 (beta 1,2-); minus strand), TSPAN1 (tetraspanin 1; plus strand). Cytogenetic location: 1p34.1.
Variant type: single nucleotide variant.
Coding change: c.1298C>T on transcript NM_017739.4 (MANE Select); coding-DNA position 1298, C replaced by T.
Protein change: p.Thr433Met; replaces threonine 433 with methionine.
Molecular consequence: missense variant.
Genome position (GRCh38, 1-based): chr1:46,192,423, G>A on the plus strand (C>T on the coding strand, the complement: POMGNT1 is on the minus strand). VCF-style: chr1-46192423-G-A. GRCh37 (hg19) VCF-style: chr1-46658095-G-A.
Other names: p.T433M:ACG>ATG; c.1298C>T, p.Thr433Met (NM_001243766.2, NM_001410783.1); c.1232C>T, p.Thr411Met (NM_001290129.3); c.869C>T, p.Thr290Met (NM_001290130.2); short protein forms T433M, T411M, T290M.
Identifiers: ClinVar variation 162586 (VCV000162586.39), dbSNP rs146097254, ClinGen allele CA240762.